The following is an entry in ClinVar:

ClinVar aggregate classification (germline): Uncertain significance (1 of 4 stars; one submission).

Conditions:
Epileptic encephalopathy. Identifiers: MedGen C0543888, HP:0200134.

Submission:

Labcorp Genetics (formerly Invitae), Labcorp
Classification: Uncertain significance for Epileptic encephalopathy. Last evaluated: 2019-05-04. Review status: criteria provided, single submitter. Criteria: Invitae Variant Classification Sherloc (09022015). Collection method: clinical testing. Allele origin: germline.
Comment: Algorithms developed to predict the effect of sequence changes on RNA splicing suggest that this variant may create or strengthen a splice site, but this prediction has not been confirmed by published transcriptional studies. In summary, the available evidence is currently insufficient to determine the role of this variant in disease. Therefore, it has been classified as a Variant of Uncertain Significance. Algorithms developed to predict the effect of missense changes on protein structure and function (SIFT, PolyPhen-2, Align-GVGD) all suggest that this variant is likely to be tolerated, but these predictions have not been confirmed by published functional studies and their clinical significance is uncertain. This variant has not been reported in the literature in individuals with RYR3-related conditions. This variant is not present in population databases (ExAC no frequency). This sequence change replaces isoleucine with valine at codon 3556 of the RYR3 protein (p.Ile3556Val). The isoleucine residue is moderately conserved and there is a small physicochemical difference between isoleucine and valine.

NM_001036.6(RYR3):c.10666A>G (p.Ile3556Val)

Gene: RYR3 (ryanodine receptor 3; plus strand). Cytogenetic location: 15q14.
Variant type: single nucleotide variant.
Coding change: c.10666A>G on transcript NM_001036.6 (MANE Select); coding-DNA position 10666, A replaced by G.
Protein change: p.Ile3556Val; replaces isoleucine 3556 with valine.
Molecular consequence: missense variant.
Genome position (GRCh38, 1-based): chr15:33,818,644, A>G. VCF-style: chr15-33818644-A-G. GRCh37 (hg19) VCF-style: chr15-34110845-A-G.
Other names: c.10651A>G, p.Ile3551Val (NM_001243996.4); short protein forms I3551V, I3556V.
Identifiers: ClinVar variation 948853 (VCV000948853.9), dbSNP rs2076946853, ClinGen allele CA391585673.